The following is an entry in ClinVar:

ClinVar aggregate classification (germline): Benign/Likely benign. Review status: criteria provided, multiple submitters, no conflicts (2 of 4 stars). 5 submissions from 5 submitters: Benign (1); Likely benign (4). Last evaluated 2025-08-13.

Conditions:
Hereditary cancer-predisposing syndrome. Also called: Neoplastic Syndromes, Hereditary; Hereditary Cancer Syndrome; Tumor predisposition; Hereditary neoplastic syndrome. Identifiers: Orphanet 140162, MedGen C0027672, MeSH D009386, MONDO:0015356.
Familial cancer of breast. Also called: Hereditary breast cancer; BREAST CANCER, FAMILIAL; hereditary breast carcinoma. Identifiers: Orphanet 227535, MedGen C0346153, MONDO:0016419, OMIM 114480. Disease mechanism: loss of function.
Ataxia-telangiectasia syndrome (AT). Also called: LOUIS-BAR SYNDROME; Cerebello-oculocutaneous telangiectasia; Immunodeficiency with ataxia telangiectasia; Ataxia-telangiectasia, complementation group D; AT, COMPLEMENTATION GROUP C; Ataxia-telangiectasia, complementation group E. Identifiers: Orphanet 100, MedGen C0004135, MONDO:0008840, OMIM 208900.

Allele frequency attached by ClinVar (database versions not stated): TOPMed below 0.00001; gnomAD exomes below 0.00001.
gnomAD v4.1: 3 of 1,614,182 alleles (0.00019%); highest among the groups gnomAD compares: South Asian, 0.0022%; no homozygotes.

Submissions (5):

Labcorp Genetics (formerly Invitae), Labcorp
Classification: Likely benign for Ataxia-telangiectasia syndrome. Last evaluated: 2025-08-13. Review status: criteria provided, single submitter. Criteria: Invitae Variant Classification Sherloc (09022015). Collection method: clinical testing. Allele origin: germline.

Myriad Genetics, Inc.
Classification: Benign for Familial cancer of breast. Last evaluated: 2024-06-03. Review status: criteria provided, single submitter. Criteria: Myriad Autosomal Dominant, Autosomal Recessive and X-Linked Classification Criteria (2023). Collection method: clinical testing. Allele origin: unknown.
Comment: This variant is considered benign. This variant is a silent/synonymous amino acid change and it is not expected to impact splicing.

Color Diagnostics, LLC DBA Color Health
Classification: Likely benign for Hereditary cancer-predisposing syndrome. Last evaluated: 2019-03-04. Review status: criteria provided, single submitter. Criteria: ACMG Guidelines, 2015. Collection method: clinical testing. Allele origin: germline.

GeneDx
Classification: Likely benign. Last evaluated: 2017-11-30. Review status: criteria provided, single submitter. Criteria: GeneDx Variant Classification (06012015). Collection method: clinical testing. Allele origin: germline. Affected: yes.
Comment: This variant is considered likely benign or benign based on one or more of the following criteria: it is a conservative change, it occurs at a poorly conserved position in the protein, it is predicted to be benign by multiple in silico algorithms, and/or has population frequency not consistent with disease.

Ambry Genetics
Classification: Likely benign for Hereditary cancer-predisposing syndrome. Last evaluated: 2017-03-21. Review status: criteria provided, single submitter. Criteria: Ambry Variant Classification Scheme 2023. Collection method: clinical testing. Allele origin: germline.

NM_000051.4(ATM):c.6144A>G (p.Thr2048=)

Genes: ATM (ATM serine/threonine kinase; plus strand), C11orf65 (chromosome 11 open reading frame 65; minus strand). Cytogenetic location: 11q22.3.
Variant type: single nucleotide variant.
Coding change: c.6144A>G on transcript NM_000051.4 (MANE Select); coding-DNA position 6144, A replaced by G.
Protein change: p.Thr2048=; no amino-acid change (threonine 2048 retained).
Molecular consequence: synonymous variant. On other transcripts: intron variant (2).
Genome position (GRCh38, 1-based): chr11:108,316,059, A>G. VCF-style: chr11-108316059-A-G. GRCh37 (hg19) VCF-style: chr11-108186786-A-G.
Other names: c.6144A>G, p.Thr2048= (NM_001351834.2); c.641-6988T>C (NM_001330368.2); c.*39-6988T>C (NM_001351110.2).
Identifiers: ClinVar variation 453615 (VCV000453615.18), dbSNP rs1201081443, ClinGen allele CA476675685.
Genomic context (GRCh38, chr11:108,316,059, plus strand): 5'-CTTTTCTTATAGACTACGAACATATGAACACGAAGCAATGTGGGGCAAAGCCCTAGTAAC[A>G]TATGACCTCGAAACAGCAATCCCCTCATCAACACGCCAGGCAGGAATCATTCAGGTACAT-3'
Protein context (NP_000042.3, residues 2038-2058): HEAMWGKALV[Thr2048=]YDLETAIPSS